The following is an entry in ClinVar:

NM_007294.4(BRCA1):c.4552C>G (p.Gln1518Glu)

Gene: BRCA1 (BRCA1 DNA repair associated; minus strand). Cytogenetic location: 17q21.31.
Variant type: single nucleotide variant.
Coding change: c.4552C>G on transcript NM_007294.4 (MANE Select); coding-DNA position 4552, C replaced by G.
Protein change: p.Gln1518Glu; replaces glutamine 1518 with glutamic acid.
Molecular consequence: missense variant. On other transcripts: non-coding transcript variant (1).
Genome position (GRCh38, 1-based): chr17:43,074,454, G>C on the plus strand (C>G on the coding strand, the complement: BRCA1 is on the minus strand). VCF-style: chr17-43074454-G-C. GRCh37 (hg19) VCF-style: chr17-41226471-G-C.
Other names: c.4339C>G, p.Gln1447Glu (NM_001407571.1, NM_001407894.1, NM_001407895.1 and 12 more transcripts); c.4618C>G, p.Gln1540Glu (NM_001407581.1, NM_001407582.1); c.4615C>G, p.Gln1539Glu (NM_001407583.1, NM_001407585.1, NM_001407587.1 and 1 more transcripts); c.4612C>G, p.Gln1538Glu (NM_001407590.1, NM_001407591.1); c.4552C>G, p.Gln1518Glu (NM_001407593.1, NM_001407594.1, NM_001407596.1 and 8 more transcripts); c.4549C>G, p.Gln1517Glu (NM_001407617.1, NM_001407618.1, NM_001407619.1 and 17 more transcripts); c.4546C>G, p.Gln1516Glu (NM_001407636.1, NM_001407637.1, NM_001407638.1 and 14 more transcripts); c.4543C>G, p.Gln1515Glu (NM_001407644.1, NM_001407645.1); and 68 more; short protein forms Q1518E, Q1539E, Q414E, Q1471E, Q1406E, Q1407E, Q1428E, Q1469E.
Identifiers: ClinVar variation 219563 (VCV000219563.25), dbSNP rs80356881, ClinGen allele CA348901.
Genomic context (GRCh38, chr17:43,074,454, plus strand): 5'-GTTGCTCCTCCACATCAACAACCTTAATGAGCTCCTCTTGAGATGGGTAGTTTCTATTCT[G>C]AAGACTCCCAGAGCAACTGTGCATGTACCACCTATCATCTAATGATGGGCATTTAGAAGG-3'
Protein context (NP_009225.1, residues 1508-1528): WYMHSCSGSL[Gln1518Glu]NRNYPSQEEL

ClinVar aggregate classification (germline): Uncertain significance. Review status: criteria provided, multiple submitters, no conflicts (2 of 4 stars). 6 submissions from 6 submitters: Uncertain significance (6). Last evaluated 2025-10-29.

Conditions:
Hereditary breast ovarian cancer syndrome. Also called: Breast and ovarian cancer; Hereditary breast and ovarian cancer; Hereditary breast and ovarian cancer syndrome; Hereditary breast and/or ovarian cancer syndrome; BRCA1- and BRCA2-Associated Hereditary Breast and Ovarian Cancer; Hereditary breast and ovarian cancer syndrome (HBOC). Identifiers: Orphanet 145, MedGen C0677776, MeSH D061325, MONDO:0003582. Disease mechanism: loss of function.
Breast-ovarian cancer, familial, susceptibility to, 1 (BROVCA1). Also called: BRCA1 Hereditary Breast and Ovarian Cancer; OVARIAN CANCER, SUSCEPTIBILITY TO. Identifiers: Orphanet 145, MedGen C2676676, MONDO:0011450, OMIM 604370. Disease mechanism: loss of function.
Hereditary cancer-predisposing syndrome. Also called: Tumor predisposition; Hereditary Cancer Syndrome; Neoplastic Syndromes, Hereditary; Hereditary neoplastic syndrome. Identifiers: Orphanet 140162, MedGen C0027672, MeSH D009386, MONDO:0015356.
BRCA1-related cancer predisposition. Identifiers: MedGen CN377757, MONDO:0700268.

gnomAD v4.1: 1 of 1,614,110 alleles (0.000062%); highest among the groups gnomAD compares: Non-Finnish European, 0.000085%; no homozygotes.

Submissions (6):

Ambry Genetics
Classification: Uncertain significance for Hereditary cancer-predisposing syndrome. Last evaluated: 2025-10-29. Review status: criteria provided, single submitter. Criteria: Ambry Variant Classification Scheme 2023. Collection method: clinical testing. Allele origin: germline.
Comment: The p.Q1518E variant (also known as c.4552C>G), located in coding exon 13 of the BRCA1 gene, results from a C to G substitution at nucleotide position 4552. The glutamine at codon 1518 is replaced by glutamic acid, an amino acid with highly similar properties. This amino acid position is well conserved in available vertebrate species. In addition, the in silico prediction for this alteration is inconclusive. Since supporting evidence is limited at this time, the clinical significance of this alteration remains unclear.

Institute for Biomarker Research, Medical Diagnostic Laboratories, L.L.C.
Classification: Uncertain significance for Hereditary breast ovarian cancer syndrome. Last evaluated: 2024-12-16. Review status: criteria provided, single submitter. Criteria: ACMG Guidelines, 2015. Collection method: clinical testing. Allele origin: germline.
Comment: The missense variant NM_007294.4(BRCA1):c.4552C>G (p.Gln1518Glu) has not been reported previously as a pathogenic variant nor as a benign variant, to our knowledge. The p.Gln1518Glu variant is novel (not in any individuals) in gnomAD. There is a small physicochemical difference between glutamine and glutamic acid, which is not likely to impact secondary protein structure as these residues share similar properties. The gene BRCA1 has a low rate of benign missense variation as indicated by a high missense variants Z-Score of 2.32. For these reasons, this variant has been classified as Uncertain Significance

Labcorp Genetics (formerly Invitae), Labcorp
Classification: Uncertain significance for Hereditary breast ovarian cancer syndrome. Last evaluated: 2024-08-30. Review status: criteria provided, single submitter. Criteria: Invitae Variant Classification Sherloc (09022015). Collection method: clinical testing. Allele origin: germline.
Comment: This sequence change replaces glutamine, which is neutral and polar, with glutamic acid, which is acidic and polar, at codon 1518 of the BRCA1 protein (p.Gln1518Glu). This variant is not present in population databases (gnomAD no frequency). This missense change has been observed in individual(s) with a personal and/or family history of breast cancer (PMID: 26845104). ClinVar contains an entry for this variant (Variation ID: 219563). Invitae Evidence Modeling of protein sequence and biophysical properties (such as structural, functional, and spatial information, amino acid conservation, physicochemical variation, residue mobility, and thermodynamic stability) indicates that this missense variant is not expected to disrupt BRCA1 protein function with a negative predictive value of 95%. In summary, the available evidence is currently insufficient to determine the role of this variant in disease. Therefore, it has been classified as a Variant of Uncertain Significance.

All of Us Research Program, National Institutes of Health
Classification: Uncertain significance for BRCA1-related cancer predisposition. Last evaluated: 2024-08-06. Review status: criteria provided, single submitter. Criteria: ACMG Guidelines, 2015. Collection method: clinical testing. Allele origin: germline. Inheritance: Autosomal dominant inheritance. Observed: 2 variant alleles, 2 heterozygotes.
Comment: This study involves interpretation of variants in research participants for the purpose of population health screening. Participant phenotype was not available at the time of variant classification. Additional details can be found in publication PMID: 35346344, PMCID: PMC8962531

Color Diagnostics, LLC DBA Color Health
Classification: Uncertain significance for Hereditary cancer-predisposing syndrome. Last evaluated: 2019-05-22. Review status: criteria provided, single submitter. Criteria: ACMG Guidelines, 2015. Collection method: clinical testing. Allele origin: germline.

University of Washington Department of Laboratory Medicine, University of Washington
Classification: Uncertain significance for Breast-ovarian cancer, familial, susceptibility to, 1. Last evaluated: 2015-11-20. Review status: criteria provided, single submitter. Criteria: Shirts et al. (Genet Med 2016). Collection method: clinical testing. Allele origin: germline. Affected: no. Observed: 1 variant allele.

Literature cited by the submitters: PubMed 26845104 (cited by Labcorp Genetics (formerly Invitae), Labcorp).